The following is an entry in ClinVar:

NM_004360.5(CDH1):c.800_810del (p.Phe267fs)

Gene: CDH1 (cadherin 1; plus strand). Cytogenetic location: 16q22.1.
Variant type: Deletion.
Coding change: c.800_810del on transcript NM_004360.5 (MANE Select); coding-DNA positions 800 to 810, 11 bases deleted (TTAAGGGGTCT).
Protein change: p.Phe267fs; shifts the reading frame from phenylalanine 267.
Molecular consequence: frameshift variant. On other transcripts: 5 prime UTR variant (2).
Genome position (GRCh38, 1-based): chr16:68,810,309-68,810,319, TTAAGGGGTCT deleted; deleting any 11 consecutive bases within chr16:68,810,304-68,810,319 gives the same sequence; the c. name uses the placement nearest the transcript's 3' end. VCF-style (leftmost placement, unchanged base first): chr16-68810303-AGGTCTTTAAGG-A. GRCh37 (hg19) VCF-style: chr16-68844206-AGGTCTTTAAGG-A.
Other names: c.800_810del, p.Phe267fs (NM_001317184.2); c.-816_-806del (NM_001317185.2); c.-1020_-1010del (NM_001317186.2); c.800_810delTTAAGGGGTCT (NM_004360.3); short protein forms F267fs.
Identifiers: ClinVar variation 856609 (VCV000856609.10), dbSNP rs1960785108, ClinGen allele CA916081837.

ClinVar aggregate classification (germline): Pathogenic. Review status: criteria provided, multiple submitters, no conflicts (2 of 4 stars). 2 submissions from 2 submitters: Pathogenic (2). Last evaluated 2019-11-21.

Conditions:
Hereditary diffuse gastric adenocarcinoma (HDGC). Also called: DIFFUSE GASTRIC AND LOBULAR BREAST CANCER SYNDROME. Identifiers: Orphanet 26106, MedGen C1708349, MONDO:0007648, OMIM 137215.
Hereditary cancer-predisposing syndrome. Also called: Hereditary neoplastic syndrome; Tumor predisposition; Neoplastic Syndromes, Hereditary; Hereditary Cancer Syndrome. Identifiers: Orphanet 140162, MedGen C0027672, MeSH D009386, MONDO:0015356.

Submissions (2):

Ambry Genetics
Classification: Pathogenic for Hereditary cancer-predisposing syndrome. Last evaluated: 2019-11-21. Review status: criteria provided, single submitter. Criteria: Ambry Variant Classification Scheme 2023. Collection method: clinical testing. Allele origin: germline.
Comment: The c.800_810del11 pathogenic mutation, located in coding exon 6 of the CDH1 gene, results from a deletion of 11 nucleotides at nucleotide positions 800 to 810, causing a translational frameshift with a predicted alternate stop codon (p.F267Cfs*22). This alteration is expected to result in loss of function by premature protein truncation or nonsense-mediated mRNA decay. As such, this alteration is interpreted as a disease-causing mutation.

Labcorp Genetics (formerly Invitae), Labcorp
Classification: Pathogenic for Hereditary diffuse gastric adenocarcinoma. Last evaluated: 2019-11-18. Review status: criteria provided, single submitter. Criteria: Invitae Variant Classification Sherloc (09022015). Collection method: clinical testing. Allele origin: germline.
Comment: Loss-of-function variants in CDH1 are known to be pathogenic (PMID: 15235021, 20373070). Algorithms developed to predict the effect of sequence changes on RNA splicing suggest that this variant may create or strengthen a splice site, but this prediction has not been confirmed by published transcriptional studies. This variant has not been reported in the literature in individuals with CDH1-related conditions. This variant is not present in population databases (ExAC no frequency). This sequence change creates a premature translational stop signal (p.Phe267Cysfs*22) in the CDH1 gene. It is expected to result in an absent or disrupted protein product. For these reasons, this variant has been classified as Pathogenic.

Literature cited by the submitters: PubMed 15235021 (cited by Labcorp Genetics (formerly Invitae), Labcorp); PubMed 20373070 (cited by Labcorp Genetics (formerly Invitae), Labcorp).